The following is an entry in ClinVar:

NC_000002.11:g.(?_227892598)_(227974022_?)del

Gene: COL4A4 (collagen type IV alpha 4 chain; minus strand). Cytogenetic location: 2q36.3.
Variant type: Deletion.
Identifiers: ClinVar variation 2422348 (VCV002422348.3).

ClinVar aggregate classification (germline): Pathogenic (1 of 4 stars; one submission).

Submission:

Labcorp Genetics (formerly Invitae), Labcorp
Classification: Pathogenic. Last evaluated: 2022-10-17. Review status: criteria provided, single submitter. Criteria: Invitae Variant Classification Sherloc (09022015). Collection method: clinical testing. Allele origin: germline.
Comment: This variant is a gross deletion of the genomic region encompassing exon(s) 10-42 of the COL4A4 gene. This deletion is out-of-frame, and is expected to create a premature termination codon and result in an absent or disrupted protein product. Loss-of-function variants in COL4A4 are known to be pathogenic (PMID: 21196518, 24854265, 25307543). This variant has not been reported in the literature in individuals affected with COL4A4-related conditions. For these reasons, this variant has been classified as Pathogenic.

Literature cited by the submitters: PubMed 21196518; PubMed 24854265; PubMed 25307543.